The following is an entry in ClinVar:

NM_003722.5(TP63):c.1109A>C (p.Asn370Thr)

Gene: TP63 (tumor protein p63; plus strand). Cytogenetic location: 3q28.
Variant type: single nucleotide variant.
Coding change: c.1109A>C on transcript NM_003722.5 (MANE Select); coding-DNA position 1109, A replaced by C.
Protein change: p.Asn370Thr; replaces asparagine 370 with threonine.
Molecular consequence: missense variant.
Genome position (GRCh38, 1-based): chr3:189,868,696, A>C. VCF-style: chr3-189868696-A-C. GRCh37 (hg19) VCF-style: chr3-189586485-A-C.
Other names: c.1109A>C (NM_003722.4); c.1109A>C, p.Asn370Thr (NM_001114978.2, NM_001114979.2, NM_001329144.2 and 1 more transcripts); c.827A>C, p.Asn276Thr (NM_001114980.2, NM_001114981.2, NM_001114982.2 and 2 more transcripts); c.572A>C, p.Asn191Thr (NM_001329146.2, NM_001329150.2); c.1103A>C, p.Asn368Thr (NM_001329964.2); short protein forms N370T, N191T, N276T, N368T.
Identifiers: ClinVar variation 3720060 (VCV003720060.2).

ClinVar aggregate classification (germline): Uncertain significance. Review status: criteria provided, multiple submitters, no conflicts (2 of 4 stars). 2 submissions from 2 submitters: Uncertain significance (2). Last evaluated 2025-08-08.

Conditions:
Inborn genetic diseases. Identifiers: MedGen C0950123, MeSH D030342.
TP63-Related Spectrum Disorders.

gnomAD v4.1: 11 of 1,613,962 alleles (0.00068%); highest among the groups gnomAD compares: Non-Finnish European, 0.00093%; no homozygotes.

Submissions (2):

Ambry Genetics
Classification: Uncertain significance for Inborn genetic diseases. Last evaluated: 2025-08-08. Review status: criteria provided, single submitter. Criteria: Ambry Variant Classification Scheme 2023. Collection method: clinical testing. Allele origin: germline.

Labcorp Genetics (formerly Invitae), Labcorp
Classification: Uncertain significance. Last evaluated: 2024-03-07. Review status: criteria provided, single submitter. Criteria: Invitae Variant Classification Sherloc (09022015). Collection method: clinical testing. Allele origin: germline.
Comment: This sequence change replaces asparagine, which is neutral and polar, with threonine, which is neutral and polar, at codon 370 of the TP63 protein (p.Asn370Thr). This variant is present in population databases (rs762783899, gnomAD 0.003%). This variant has not been reported in the literature in individuals affected with TP63-related conditions. Advanced modeling of protein sequence and biophysical properties (such as structural, functional, and spatial information, amino acid conservation, physicochemical variation, residue mobility, and thermodynamic stability) has been performed at Invitae for this missense variant, however the output from this modeling did not meet the statistical confidence thresholds required to predict the impact of this variant on TP63 protein function. In summary, the available evidence is currently insufficient to determine the role of this variant in disease. Therefore, it has been classified as a Variant of Uncertain Significance.